The following is an entry in ClinVar:

ClinVar aggregate classification (germline): Likely benign. Review status: criteria provided, multiple submitters, no conflicts (2 of 4 stars). 3 submissions from 3 submitters: Likely benign (2). 1 of the submissions does not count toward it. Last evaluated 2025-12-09.

Conditions:
SCNN1A-related disorder. Also called: SCNN1A-related disorders; SCNN1A-related condition.

Allele frequency attached by ClinVar (database versions not stated): ESP Exome Variant Server 0.00015.
gnomAD v4.1: 203 of 1,614,012 alleles (0.013%); highest among the groups gnomAD compares: Non-Finnish European, 0.014%; no homozygotes.

Submissions (3):

Labcorp Genetics (formerly Invitae), Labcorp
Classification: Likely benign. Last evaluated: 2025-12-09. Review status: criteria provided, single submitter. Criteria: Invitae Variant Classification Sherloc (09022015). Collection method: clinical testing. Allele origin: germline.

Blueprint Genetics
Classification: Likely benign. Last evaluated: 2024-06-12. Review status: criteria provided, single submitter. Criteria: ACMG Guidelines, 2015. Collection method: clinical testing. Allele origin: germline.

PreventionGenetics, part of Exact Sciences
Classification: Likely benign for SCNN1A-related condition. Last evaluated: 2022-01-25. Review status: no assertion criteria provided. Collection method: clinical testing. Allele origin: germline. Not counted in ClinVar's aggregate classification.
Comment: This variant is classified as likely benign based on ACMG/AMP sequence variant interpretation guidelines (Richards et al. 2015 PMID: 25741868, with internal and published modifications).

NM_001038.6(SCNN1A):c.210C>T (p.Gly70=)

Gene: SCNN1A (sodium channel epithelial 1 subunit alpha; minus strand). Cytogenetic location: 12p13.31.
Variant type: single nucleotide variant.
Coding change: c.210C>T on transcript NM_001038.6 (MANE Select); coding-DNA position 210, C replaced by T.
Protein change: p.Gly70=; no amino-acid change (glycine 70 retained).
Molecular consequence: synonymous variant.
Genome position (GRCh38, 1-based): chr12:6,374,574, G>A on the plus strand (C>T on the coding strand, the complement: SCNN1A is on the minus strand). VCF-style: chr12-6374574-G-A. GRCh37 (hg19) VCF-style: chr12-6483740-G-A.
Other names: c.210C>T (NM_001038.5); c.279C>T, p.Gly93= (NM_001159575.2); c.387C>T, p.Gly129= (NM_001159576.2).
Identifiers: ClinVar variation 2078618 (VCV002078618.7), dbSNP rs368475363, ClinGen allele CA6406280.